The following is an entry in ClinVar:

NM_024642.5(GALNT12):c.1426C>G (p.Leu476Val)

Gene: GALNT12 (polypeptide N-acetylgalactosaminyltransferase 12; plus strand). Cytogenetic location: 9q22.33.
Variant type: single nucleotide variant.
Coding change: c.1426C>G on transcript NM_024642.5 (MANE Select); coding-DNA position 1426, C replaced by G.
Protein change: p.Leu476Val; replaces leucine 476 with valine.
Molecular consequence: missense variant.
Genome position (GRCh38, 1-based): chr9:98,844,177, C>G. VCF-style: chr9-98844177-C-G. GRCh37 (hg19) VCF-style: chr9-101606459-C-G.
Other names: c.1426C>G (NM_024642.4); short protein forms L476V.
Identifiers: ClinVar variation 2910127 (VCV002910127.4), dbSNP rs1234056520, ClinGen allele CA374221494.
Genomic context (GRCh38, chr9:98,844,177, plus strand): 5'-GACTACTGCTTTGACTATAACCCTCCCGATGAAAACCAGATTGTGGGACACCAGGTCATT[C>G]TGTACCTCTGTCATGGGATGGGCCAGAATCAGGTAGGTATGAGCCTCAAAAGAGGAGAAA-3'
Protein context (NP_078918.3, residues 466-486): ENQIVGHQVI[Leu476Val]YLCHGMGQNQ

ClinVar aggregate classification (germline): Uncertain significance. Review status: criteria provided, multiple submitters, no conflicts (2 of 4 stars). 2 submissions from 2 submitters: Uncertain significance (2). Last evaluated 2026-01-16.

Allele frequency attached by ClinVar (database versions not stated): TOPMed below 0.00001.

Submissions (2):

Ambry Genetics
Classification: Uncertain significance. Last evaluated: 2026-01-16. Review status: criteria provided, single submitter. Criteria: Ambry Variant Classification Scheme 2023. Collection method: clinical testing. Allele origin: germline.
Comment: The p.L476V variant (also known as c.1426C>G), located in coding exon 8 of the GALNT12 gene, results from a C to G substitution at nucleotide position 1426. The leucine at codon 476 is replaced by valine, an amino acid with highly similar properties. This amino acid position is conserved. In addition, this alteration is predicted to be tolerated by in silico analysis. Based on the available evidence, the clinical significance of this variant remains unclear.

Labcorp Genetics (formerly Invitae), Labcorp
Classification: Uncertain significance. Last evaluated: 2023-04-09. Review status: criteria provided, single submitter. Criteria: Invitae Variant Classification Sherloc (09022015). Collection method: clinical testing. Allele origin: germline.
Comment: This variant is not present in population databases (gnomAD no frequency). This variant has not been reported in the literature in individuals affected with GALNT12-related conditions. Advanced modeling of protein sequence and biophysical properties (such as structural, functional, and spatial information, amino acid conservation, physicochemical variation, residue mobility, and thermodynamic stability) performed at Invitae indicates that this missense variant is not expected to disrupt GALNT12 protein function. In summary, the available evidence is currently insufficient to determine the role of this variant in disease. Therefore, it has been classified as a Variant of Uncertain Significance. This sequence change replaces leucine, which is neutral and non-polar, with valine, which is neutral and non-polar, at codon 476 of the GALNT12 protein (p.Leu476Val).